The following is an entry in ClinVar:

NM_001458.5(FLNC):c.1502C>T (p.Thr501Ile)

Gene: FLNC (filamin C; plus strand). Cytogenetic location: 7q32.1.
Variant type: single nucleotide variant.
Coding change: c.1502C>T on transcript NM_001458.5 (MANE Select); coding-DNA position 1502, C replaced by T.
Protein change: p.Thr501Ile; replaces threonine 501 with isoleucine.
Molecular consequence: missense variant.
Genome position (GRCh38, 1-based): chr7:128,840,113, C>T. VCF-style: chr7-128840113-C-T. GRCh37 (hg19) VCF-style: chr7-128480167-C-T.
Other names: c.1502C>T (NM_001458.4); c.1502C>T, p.Thr501Ile (NM_001127487.2); short protein forms T501I.
Identifiers: ClinVar variation 199068 (VCV000199068.15), dbSNP rs794727967, ClinGen allele CA248062.

ClinVar aggregate classification (germline): Uncertain significance. Review status: criteria provided, multiple submitters, no conflicts (2 of 4 stars). 3 submissions from 3 submitters: Uncertain significance (3). Last evaluated 2025-11-20.

Conditions:
Hypertrophic cardiomyopathy 26. Also called: Cardiomyopathy, familial hypertrophic, 26. Identifiers: Orphanet 75249, MedGen C4310749, MONDO:0014883, OMIM 617047.
Myofibrillar myopathy 5. Also called: Filaminopathy (type); FILAMINOPATHY, AUTOSOMAL DOMINANT. Identifiers: Orphanet 171445, MedGen C1836050, MONDO:0012289, OMIM 609524.
Distal myopathy with posterior leg and anterior hand involvement. Also called: WILLIAMS DISTAL MYOPATHY. Identifiers: Orphanet 63273, MedGen C3279722, MONDO:0013550, OMIM 614065.
Cardiovascular phenotype. Identifiers: MedGen CN230736.

Submissions (3):

Ambry Genetics
Classification: Uncertain significance for Cardiovascular phenotype. Last evaluated: 2025-11-20. Review status: criteria provided, single submitter. Criteria: Ambry Variant Classification Scheme 2023. Collection method: clinical testing. Allele origin: germline.
Comment: The p.T501I variant (also known as c.1502C>T), located in coding exon 9 of the FLNC gene, results from a C to T substitution at nucleotide position 1502. The threonine at codon 501 is replaced by isoleucine, an amino acid with similar properties. This amino acid position is highly conserved in available vertebrate species. In addition, this alteration is predicted to be deleterious by in silico analysis. Based on the available evidence, the clinical significance of this variant remains unclear.

Labcorp Genetics (formerly Invitae), Labcorp
Classification: Uncertain significance for Distal myopathy with posterior leg and anterior hand involvement; Myofibrillar myopathy 5; Hypertrophic cardiomyopathy 26. Last evaluated: 2021-07-04. Review status: criteria provided, single submitter. Criteria: Invitae Variant Classification Sherloc (09022015). Collection method: clinical testing. Allele origin: germline.
Comment: This variant has not been reported in the literature in individuals affected with FLNC-related conditions. ClinVar contains an entry for this variant (Variation ID: 199068). Algorithms developed to predict the effect of missense changes on protein structure and function are either unavailable or do not agree on the potential impact of this missense change (SIFT: "Deleterious"; PolyPhen-2: "Possibly Damaging"; Align-GVGD: "Class C0"). In summary, the available evidence is currently insufficient to determine the role of this variant in disease. Therefore, it has been classified as a Variant of Uncertain Significance. This variant is not present in population databases (ExAC no frequency). This sequence change replaces threonine with isoleucine at codon 501 of the FLNC protein (p.Thr501Ile). The threonine residue is moderately conserved and there is a moderate physicochemical difference between threonine and isoleucine.

Eurofins Ntd Llc (ga)
Classification: Uncertain significance. Last evaluated: 2014-10-27. Review status: criteria provided, single submitter. Criteria: EGL Classification Definitions 2015. Collection method: clinical testing. Allele origin: germline. Observed: 1 variant allele, 1 heterozygote.